The following is an entry in ClinVar:

NM_000565.4(IL6R):c.1183C>T (p.Arg395Trp)

Gene: IL6R (interleukin 6 receptor; plus strand). Cytogenetic location: 1q21.3.
Variant type: single nucleotide variant.
Coding change: c.1183C>T on transcript NM_000565.4 (MANE Select); coding-DNA position 1183, C replaced by T.
Protein change: p.Arg395Trp; replaces arginine 395 with tryptophan.
Molecular consequence: missense variant. On other transcripts: synonymous variant (2).
Genome position (GRCh38, 1-based): chr1:154,465,156, C>T. VCF-style: chr1-154465156-C-T. GRCh37 (hg19) VCF-style: chr1-154437632-C-T.
Other names: c.1183C>T (NM_000565.3); c.1282C>T, p.Arg428Trp (NM_001382769.1); c.1276C>T, p.Arg426Trp (NM_001382770.1); c.1231C>T, p.Arg411Trp (NM_001382771.1); c.1177C>T, p.Arg393Trp (NM_001382772.1); c.1137C>T, p.Cys379= (NM_001382773.1); c.823C>T, p.Arg275Trp (NM_001382774.1); c.1089C>T, p.Cys363= (NM_181359.3); short protein forms R275W, R393W, R395W, R411W, R428W, R426W.
Identifiers: ClinVar variation 1448273 (VCV001448273.9), dbSNP rs141102401, ClinGen allele CA1129314.
Genomic context (GRCh38, chr1:154,465,156, plus strand): 5'-AAAATCTGTGTGGTTTGTCTTTGTGTGTTTGTGTGAAGGTTCAAGAAGACGTGGAAGCTG[C>T]GGGCTCTGAAGGAAGGCAAGACAAGCATGCATCCGCCGTACTCTTTGGGGCAGCTGGTCC-3'
Protein context (NP_000556.1, residues 385-405): VLRFKKTWKL[Arg395Trp]ALKEGKTSMH

ClinVar aggregate classification (germline): Uncertain significance. Review status: criteria provided, multiple submitters, no conflicts (2 of 4 stars). 2 submissions from 2 submitters: Uncertain significance (2). Last evaluated 2025-10-07.

Allele frequency attached by ClinVar (database versions not stated): gnomAD exomes 0.00008 and 0.00011; ExAC 0.00017; TOPMed 0.00053; gnomAD 0.00056 and 0.00061; ESP Exome Variant Server 0.00085.
gnomAD v4.1: 204 of 1,613,996 alleles (0.013%); highest among the groups gnomAD compares: African/African-American, 0.16%; no homozygotes.

Submissions (2):

Labcorp Genetics (formerly Invitae), Labcorp
Classification: Uncertain significance. Last evaluated: 2025-10-07. Review status: criteria provided, single submitter. Criteria: Invitae Variant Classification Sherloc (09022015). Collection method: clinical testing. Allele origin: germline.
Comment: This sequence change replaces arginine, which is basic and polar, with tryptophan, which is neutral and slightly polar, at codon 395 of the IL6R protein (p.Arg395Trp). This variant is present in population databases (rs141102401, gnomAD 0.2%). This variant has not been reported in the literature in individuals affected with IL6R-related conditions. ClinVar contains an entry for this variant (Variation ID: 1448273). An algorithm developed to predict the effect of missense changes on protein structure and function (PolyPhen-2) suggests that this variant is likely to be disruptive. In summary, the available evidence is currently insufficient to determine the role of this variant in disease. Therefore, it has been classified as a Variant of Uncertain Significance.

Ambry Genetics
Classification: Uncertain significance. Last evaluated: 2025-08-30. Review status: criteria provided, single submitter. Criteria: Ambry Variant Classification Scheme 2023. Collection method: clinical testing. Allele origin: germline.